The following is an entry in ClinVar:

NM_032482.3(DOT1L):c.4065G>A (p.Ser1355=)

Gene: DOT1L (DOT1 like histone lysine methyltransferase; plus strand). Cytogenetic location: 19p13.3.
Variant type: single nucleotide variant.
Coding change: c.4065G>A on transcript NM_032482.3 (MANE Select); coding-DNA position 4065, G replaced by A.
Protein change: p.Ser1355=; no amino-acid change (serine 1355 retained).
Molecular consequence: synonymous variant.
Genome position (GRCh38, 1-based): chr19:2,226,586, G>A. VCF-style: chr19-2226586-G-A. GRCh37 (hg19) VCF-style: chr19-2226585-G-A.
Other names: c.4065G>A, p.Ser1355= (NM_001411141.1).
Identifiers: ClinVar variation 4873672 (VCV004873672.2).

ClinVar aggregate classification (germline): Likely benign (1 of 4 stars; one submission).

gnomAD v4.1: 80 of 1,599,492 alleles (0.005%); highest among the groups gnomAD compares: East Asian, 0.063%; 1 homozygote.

Submission:

CeGaT Center for Human Genetics Tuebingen
Classification: Likely benign. Last evaluated: 2026-06-01. Review status: criteria provided, single submitter. Criteria: CeGaT Center For Human Genetics Tuebingen Variant Classification Criteria Version 2. Collection method: clinical testing. Allele origin: germline. Affected: yes. Observed: 1 variant allele.
Comment: DOT1L: BP4, BP7